The following is an entry in ClinVar:

NM_001286.5(CLCN6):c.2578G>A (p.Ala860Thr)

Gene: CLCN6 (chloride voltage-gated channel 6; plus strand). Cytogenetic location: 1p36.22.
Variant type: single nucleotide variant.
Coding change: c.2578G>A on transcript NM_001286.5 (MANE Select); coding-DNA position 2578, G replaced by A.
Protein change: p.Ala860Thr; replaces alanine 860 with threonine.
Molecular consequence: missense variant. On other transcripts: non-coding transcript variant (1).
Genome position (GRCh38, 1-based): chr1:11,840,191, G>A. VCF-style: chr1-11840191-G-A. GRCh37 (hg19) VCF-style: chr1-11900248-G-A.
Other names: c.2512G>A, p.Ala838Thr (NM_001256959.2); short protein forms A838T, A860T.
Identifiers: ClinVar variation 4721369 (VCV004721369.1).
Genomic context (GRCh38, chr1:11,840,191, plus strand): 5'-TCTTTGCCCTAGATCGTGGGGATCATCACACGGCACAACCTCACCTATGAATTTCTGCAG[G>A]CCCGGCTGAGGCAGCACTACCAGACCATCTGACAGCCCAGCCCACCCTCTCCTGGTGCTG-3'
Protein context (NP_001277.2, residues 850-869): RHNLTYEFLQ[Ala860Thr]RLRQHYQTI

ClinVar aggregate classification (germline): Uncertain significance (1 of 4 stars; one submission).

Submission:

Labcorp Genetics (formerly Invitae), Labcorp
Classification: Uncertain significance. Last evaluated: 2025-06-14. Review status: criteria provided, single submitter. Criteria: Invitae Variant Classification Sherloc (09022015). Collection method: clinical testing. Allele origin: germline.
Comment: This sequence change replaces alanine, which is neutral and non-polar, with threonine, which is neutral and polar, at codon 860 of the CLCN6 protein (p.Ala860Thr). This variant is not present in population databases (gnomAD no frequency). This variant has not been reported in the literature in individuals affected with CLCN6-related conditions. An algorithm developed to predict the effect of missense changes on protein structure and function (PolyPhen-2) suggests that this variant is likely to be tolerated. In summary, the available evidence is currently insufficient to determine the role of this variant in disease. Therefore, it has been classified as a Variant of Uncertain Significance.